The following is an entry in ClinVar:

ClinVar aggregate classification (germline): Uncertain significance (1 of 4 stars; one submission).

Conditions:
Inborn genetic diseases. Identifiers: MedGen C0950123, MeSH D030342.

gnomAD v4.1: 4 of 1,614,074 alleles (0.00025%); highest among the groups gnomAD compares: African/African-American, 0.0053%; no homozygotes.

Submission:

Ambry Genetics
Classification: Uncertain significance for Inborn genetic diseases. Last evaluated: 2024-12-20. Review status: criteria provided, single submitter. Criteria: Ambry Variant Classification Scheme 2023. Collection method: clinical testing. Allele origin: germline.
Comment: The p.S892P variant (also known as c.2674T>C), located in coding exon 13 of the ASXL1 gene, results from a T to C substitution at nucleotide position 2674. The serine at codon 892 is replaced by proline, an amino acid with similar properties. This amino acid position is conserved. In addition, this alteration is predicted to be tolerated by in silico analysis. Based on the available evidence, the clinical significance of this variant remains unclear.

NM_015338.6(ASXL1):c.2674T>C (p.Ser892Pro)

Gene: ASXL1 (ASXL transcriptional regulator 1; plus strand). Cytogenetic location: 20q11.21.
Variant type: single nucleotide variant.
Coding change: c.2674T>C on transcript NM_015338.6 (MANE Select); coding-DNA position 2674, T replaced by C.
Protein change: p.Ser892Pro; replaces serine 892 with proline.
Molecular consequence: missense variant.
Genome position (GRCh38, 1-based): chr20:32,435,386, T>C. VCF-style: chr20-32435386-T-C. GRCh37 (hg19) VCF-style: chr20-31023189-T-C.
Other names: c.2491T>C, p.Ser831Pro (NM_001363734.1); short protein forms S892P, S831P.
Identifiers: ClinVar variation 3791516 (VCV003791516.1).
Genomic context (GRCh38, chr20:32,435,386, plus strand): 5'-TGCCCTCCTATGAGGGAAAGTGATACTAGACAAGAAAACTTGAAAACCAAGGCTCTCGTT[T>C]CTAACAGTTCTTTGCATTGGATACCCATCCCATCGAATGATGAGGTAGTGAAACAGCCCA-3'
Protein context (NP_056153.2, residues 882-902): QENLKTKALV[Ser892Pro]NSSLHWIPIP